The following is an entry in ClinVar:

ClinVar aggregate classification (germline): Uncertain significance. Review status: criteria provided, multiple submitters, no conflicts (2 of 4 stars). 2 submissions from 2 submitters: Uncertain significance (2). Last evaluated 2025-07-24.

Conditions:
Inborn genetic diseases. Identifiers: MedGen C0950123, MeSH D030342.

gnomAD v4.1: 5 of 1,611,196 alleles (0.00031%); highest among the groups gnomAD compares: East Asian, 0.0022%; no homozygotes.

Submissions (2):

Mayo Clinic Laboratories, Mayo Clinic
Classification: Uncertain significance. Last evaluated: 2025-07-24. Review status: criteria provided, single submitter. Criteria: ACMG Guidelines, 2015. Collection method: clinical testing. Allele origin: germline. Observed: 1 variant allele.
Comment: PP3_moderate

Ambry Genetics
Classification: Uncertain significance for Inborn genetic diseases. Last evaluated: 2025-06-18. Review status: criteria provided, single submitter. Criteria: Ambry Variant Classification Scheme 2023. Collection method: clinical testing. Allele origin: germline.

NM_001303.4(COX10):c.634G>A (p.Val212Met)

Gene: COX10 (cytochrome c oxidase assembly factor heme A:farnesyltransferase COX10; plus strand). Cytogenetic location: 17p12.
Variant type: single nucleotide variant.
Coding change: c.634G>A on transcript NM_001303.4 (MANE Select); coding-DNA position 634, G replaced by A.
Protein change: p.Val212Met; replaces valine 212 with methionine.
Molecular consequence: missense variant.
Genome position (GRCh38, 1-based): chr17:14,159,886, G>A. VCF-style: chr17-14159886-G-A. GRCh37 (hg19) VCF-style: chr17-14063203-G-A.
Other names: p.Val212Met; short protein forms V212M.
Identifiers: ClinVar variation 4232971 (VCV004232971.2).